The following is an entry in ClinVar:

NM_005045.4(RELN):c.9794T>C (p.Leu3265Pro)

Genes: RELN (reelin; minus strand), SLC26A5-AS1 (SLC26A5 antisense RNA 1; plus strand). Cytogenetic location: 7q22.1.
Variant type: single nucleotide variant.
Coding change: c.9794T>C on transcript NM_005045.4 (MANE Select); coding-DNA position 9794, T replaced by C.
Protein change: p.Leu3265Pro; replaces leucine 3265 with proline.
Molecular consequence: missense variant.
Genome position (GRCh38, 1-based): chr7:103,486,386, A>G on the plus strand (T>C on the coding strand, the complement: RELN is on the minus strand). VCF-style: chr7-103486386-A-G. GRCh37 (hg19) VCF-style: chr7-103126833-A-G.
Other names: c.9794T>C, p.Leu3265Pro (NM_173054.3); short protein forms L3265P.
Identifiers: ClinVar variation 2934571 (VCV002934571.3), dbSNP rs781641525, ClinGen allele CA4420117.

ClinVar aggregate classification (germline): Uncertain significance (1 of 4 stars; one submission).

Conditions:
Familial temporal lobe epilepsy 7. Identifiers: Orphanet 101046, MedGen C4225327, MONDO:0014639, OMIM 616436.
Norman-Roberts syndrome (LIS2). Also called: Lissencephaly 2 (Norman-Roberts type). Identifiers: Orphanet 89844, MedGen C0796089, MONDO:0009760, OMIM 257320.

Allele frequency attached by ClinVar (database versions not stated): gnomAD exomes 0.00001; ExAC 0.00002.
gnomAD v4.1: 10 of 1,614,194 alleles (0.00062%); highest among the groups gnomAD compares: South Asian, 0.0022%; no homozygotes.

Submission:

Labcorp Genetics (formerly Invitae), Labcorp
Classification: Uncertain significance for Familial temporal lobe epilepsy 7; Norman-Roberts syndrome. Last evaluated: 2024-01-19. Review status: criteria provided, single submitter. Criteria: Invitae Variant Classification Sherloc (09022015). Collection method: clinical testing. Allele origin: germline.
Comment: This sequence change replaces leucine, which is neutral and non-polar, with proline, which is neutral and non-polar, at codon 3265 of the RELN protein (p.Leu3265Pro). This variant is present in population databases (rs781641525, gnomAD 0.006%). This variant has not been reported in the literature in individuals affected with RELN-related conditions. Advanced modeling of protein sequence and biophysical properties (such as structural, functional, and spatial information, amino acid conservation, physicochemical variation, residue mobility, and thermodynamic stability) has been performed at Invitae for this missense variant, however the output from this modeling did not meet the statistical confidence thresholds required to predict the impact of this variant on RELN protein function. In summary, the available evidence is currently insufficient to determine the role of this variant in disease. Therefore, it has been classified as a Variant of Uncertain Significance.